The following is an entry in ClinVar:

NM_000264.5(PTCH1):c.467A>T (p.Gln156Leu)

Gene: PTCH1 (patched 1; minus strand). Cytogenetic location: 9q22.32.
Variant type: single nucleotide variant.
Coding change: c.467A>T on transcript NM_000264.5 (MANE Select); coding-DNA position 467, A replaced by T.
Protein change: p.Gln156Leu; replaces glutamine 156 with leucine.
Molecular consequence: missense variant. On other transcripts: non-coding transcript variant (1).
Genome position (GRCh38, 1-based): chr9:95,485,802, T>A on the plus strand (A>T on the coding strand, the complement: PTCH1 is on the minus strand). VCF-style: chr9-95485802-T-A. GRCh37 (hg19) VCF-style: chr9-98248084-T-A.
Other names: c.269A>T, p.Gln90Leu (NM_001083602.3, NM_001354919.2); c.464A>T, p.Gln155Leu (NM_001083603.3); c.14A>T, p.Gln5Leu (NM_001083604.3, NM_001083605.3, NM_001083606.3 and 1 more transcripts); c.467A>T, p.Gln156Leu (NM_001354918.2); short protein forms Q90L, Q5L, Q156L, Q155L.
Identifiers: ClinVar variation 4845072 (VCV004845072.1).

ClinVar aggregate classification (germline): Uncertain significance (1 of 4 stars; one submission).

Conditions:
Hereditary cancer-predisposing syndrome. Also called: Neoplastic Syndromes, Hereditary; Tumor predisposition; Hereditary Cancer Syndrome; Hereditary neoplastic syndrome. Identifiers: Orphanet 140162, MedGen C0027672, MeSH D009386, MONDO:0015356.

Submission:

Ambry Genetics
Classification: Uncertain significance for Hereditary cancer-predisposing syndrome. Last evaluated: 2026-02-03. Review status: criteria provided, single submitter. Criteria: Ambry Variant Classification Scheme 2023. Collection method: clinical testing. Allele origin: germline.
Comment: The p.Q156L variant (also known as c.467A>T), located in coding exon 3 of the PTCH1 gene, results from an A to T substitution at nucleotide position 467. The glutamine at codon 156 is replaced by leucine, an amino acid with dissimilar properties. This amino acid position is highly conserved in available vertebrate species. In addition, this alteration is predicted to be deleterious by in silico analysis. Based on the available evidence, the clinical significance of this variant remains unclear.